The following is an entry in ClinVar:

ClinVar aggregate classification (germline): Uncertain significance (1 of 4 stars; one submission).

Submission:

Mayo Clinic Laboratories, Mayo Clinic
Classification: Uncertain significance. Last evaluated: 2024-09-06. Review status: criteria provided, single submitter. Criteria: ACMG Guidelines, 2015. Collection method: clinical testing. Allele origin: germline. Observed: 1 variant allele.
Comment: PM2

NM_001101362.3(KBTBD13):c.1167C>G (p.Ser389Arg)

Gene: KBTBD13 (kelch repeat and BTB domain containing 13; plus strand). Cytogenetic location: 15q22.31.
Variant type: single nucleotide variant.
Coding change: c.1167C>G on transcript NM_001101362.3 (MANE Select); coding-DNA position 1167, C replaced by G.
Protein change: p.Ser389Arg; replaces serine 389 with arginine.
Molecular consequence: missense variant.
Genome position (GRCh38, 1-based): chr15:65,077,982, C>G. VCF-style: chr15-65077982-C-G. GRCh37 (hg19) VCF-style: chr15-65370320-C-G.
Other names: p.Ser389Arg; short protein forms S389R.
Identifiers: ClinVar variation 3380301 (VCV003380301.1).